The following is an entry in ClinVar:

ClinVar aggregate classification (germline): Pathogenic/Likely pathogenic. Review status: criteria provided, multiple submitters, no conflicts (2 of 4 stars). 4 submissions from 4 submitters: Pathogenic (3); Likely pathogenic (1). Last evaluated 2023-12-19.

Conditions:
Spastic paraplegia. Identifiers: MedGen C0037772, HP:0001258.
Charlevoix-Saguenay spastic ataxia (SACS). Also called: Spastic ataxia of Charlevoix-Saguenay; SPASTIC ATAXIA 6, AUTOSOMAL RECESSIVE; AUTOSOMAL RECESSIVE SPASTIC ATAXIA OF CHARLEVOIX-SAGUENAY. Identifiers: Orphanet 98, MedGen C1849140, MONDO:0010041, OMIM 270550.
Abnormal central motor function. Identifiers: MedGen C4023354, HP:0011442.

Submissions (4):

Baylor Genetics
Classification: Pathogenic for Charlevoix-Saguenay spastic ataxia. Last evaluated: 2023-12-19. Review status: criteria provided, single submitter. Criteria: ACMG Guidelines, 2015. Collection method: clinical testing. Allele origin: unknown.

Labcorp Genetics (formerly Invitae), Labcorp
Classification: Pathogenic for Spastic paraplegia. Last evaluated: 2023-06-22. Review status: criteria provided, single submitter. Criteria: Invitae Variant Classification Sherloc (09022015). Collection method: clinical testing. Allele origin: germline.
Comment: This variant disrupts a region of the SACS protein in which other variant(s) (p.Asn4549Asp) have been determined to be pathogenic (PMID: 15156359, 21507954). This suggests that this is a clinically significant region of the protein, and that variants that disrupt it are likely to be disease-causing. For these reasons, this variant has been classified as Pathogenic. ClinVar contains an entry for this variant (Variation ID: 1098922). This variant has not been reported in the literature in individuals affected with SACS-related conditions. This variant is not present in population databases (gnomAD no frequency). This sequence change creates a premature translational stop signal (p.Asn1094Lysfs*18) in the SACS gene. While this is not anticipated to result in nonsense mediated decay, it is expected to disrupt the last 3486 amino acid(s) of the SACS protein.

Kariminejad - Najmabadi Pathology & Genetics Center
Classification: Likely pathogenic for Abnormal central motor function. Last evaluated: 2021-07-10. Review status: criteria provided, single submitter. Criteria: ACMG Guidelines, 2015. Collection method: clinical testing. Allele origin: germline. Affected: yes.

Medical Genetics Laboratory, Tarbiat Modares University
Classification: Pathogenic for Charlevoix-Saguenay spastic ataxia. Last evaluated: 2020-03-01. Review status: criteria provided, single submitter. Criteria: ACMG Guidelines, 2015. Collection method: clinical testing. Allele origin: inherited. Inheritance: Autosomal recessive inheritance. Affected: yes. Observed: 1 variant allele, 1 homozygote.

Literature cited by the submitters: PubMed 15156359 (cited by Labcorp Genetics (formerly Invitae), Labcorp); PubMed 21507954 (cited by Labcorp Genetics (formerly Invitae), Labcorp).

NM_014363.6(SACS):c.3281dup (p.Asn1094fs)

Gene: SACS (sacsin molecular chaperone; minus strand). Cytogenetic location: 13q12.12.
Variant type: Duplication.
Coding change: c.3281dup on transcript NM_014363.6 (MANE Select); coding-DNA position 3281, one base duplicated (A; older notation c.3281dupA).
Protein change: p.Asn1094fs; shifts the reading frame from asparagine 1094.
Molecular consequence: frameshift variant.
Genome position (GRCh38, 1-based): chr13:23,340,595, T duplicated on the plus strand (A on the coding strand, the reverse complement: SACS is on the minus strand); the first of 6 consecutive T bases (chr13:23,340,595-23,340,600); duplicating any one gives the same sequence. VCF-style (leftmost placement, unchanged base first): chr13-23340594-G-GT. GRCh37 (hg19) VCF-style: chr13-23914733-G-GT.
Other names: c.3281dupA (NM_014363.6); c.2840dup, p.Asn947fs (NM_001278055.2); short protein forms N1094fs, N947fs.
Identifiers: ClinVar variation 1098922 (VCV001098922.28), dbSNP rs2137636957, ClinGen allele CA2499221982.